The following is an entry in ClinVar:

NM_001348716.2(KDM6B):c.2012_2013del (p.Leu670_Phe671insTer)

Gene: KDM6B (lysine demethylase 6B; plus strand). Cytogenetic location: 17p13.1.
Variant type: Deletion.
Coding change: c.2012_2013del on transcript NM_001348716.2 (MANE Select); coding-DNA positions 2012 to 2013, 2 bases deleted (TT; older notation c.2012_2013delTT).
Protein change: p.Leu670_Phe671insTer.
Molecular consequence: nonsense.
Genome position (GRCh38, 1-based): chr17:7,848,300-7,848,301, TT deleted; deleting any 2 consecutive bases within chr17:7,848,299-7,848,301 gives the same sequence; the c. name uses the placement nearest the transcript's 3' end. VCF-style (leftmost placement, unchanged base first): chr17-7848298-CTT-C. GRCh37 (hg19) VCF-style: chr17-7751616-CTT-C.
Other names: c.2012_2013del, p.Leu670_Phe671insTer (NM_001080424.2); c.2011_2012del (NM_001080424.2); c.2012_2013del (NM_001080424.1).
Identifiers: ClinVar variation 1704454 (VCV001704454.2), dbSNP rs2544526292, ClinGen allele CA2580094865.

ClinVar aggregate classification (germline): Pathogenic. Review status: criteria provided, single submitter (1 of 4 stars). 2 submissions from 2 submitters: Pathogenic (1). 1 of the submissions does not count toward it. Last evaluated 2024-10-21.

Conditions:
Neurodevelopmental disorder with coarse facies and mild distal skeletal abnormalities. Also called: STOLERMAN NEURODEVELOPMENTAL SYNDROME. Identifiers: MedGen C5193134, MONDO:0032790, OMIM 618505.

Submissions (2):

GeneDx
Classification: Pathogenic. Last evaluated: 2024-10-21. Review status: criteria provided, single submitter. Criteria: GeneDx Variant Classification Process June 2021. Collection method: clinical testing. Allele origin: germline. Affected: yes.
Comment: Nonsense variant predicted to result in protein truncation or nonsense mediated decay in a gene for which loss of function is a known mechanism of disease; Not observed at significant frequency in large population cohorts (gnomAD); This variant is associated with the following publications: (PMID: 37196654, 36368308)

Joint Genome Diagnostic Labs from Nijmegen and Maastricht, Radboudumc and MUMC+
Classification: Likely pathogenic for Neurodevelopmental disorder with coarse facies and mild distal skeletal abnormalities. Last evaluated: 2022-09-09. Review status: no assertion criteria provided. Collection method: research. Allele origin: de novo. Affected: yes. Not counted in ClinVar's aggregate classification.